The following is an entry in ClinVar:

ClinVar aggregate classification (germline): Uncertain significance (1 of 4 stars; one submission).

Submission:

GeneDx
Classification: Uncertain significance. Last evaluated: 2024-03-28. Review status: criteria provided, single submitter. Criteria: GeneDx Variant Classification Process June 2021. Collection method: clinical testing. Allele origin: germline. Affected: yes.
Comment: Not observed at significant frequency in large population cohorts (gnomAD); In silico analysis supports that this missense variant does not alter protein structure/function; This substitution is predicted to be within the intracellular loop between the S2 and S3 transmembrane segments of the second homologous domain.; Has not been previously published as pathogenic or benign to our knowledge

NM_001165963.4(SCN1A):c.2490A>C (p.Glu830Asp)

Gene: SCN1A (sodium voltage-gated channel alpha subunit 1; minus strand). Cytogenetic location: 2q24.3.
Variant type: single nucleotide variant.
Coding change: c.2490A>C on transcript NM_001165963.4 (MANE Select); coding-DNA position 2490, A replaced by C.
Protein change: p.Glu830Asp; replaces glutamic acid 830 with aspartic acid.
Molecular consequence: missense variant. On other transcripts: non-coding transcript variant (1).
Genome position (GRCh38, 1-based): chr2:166,039,522, T>G on the plus strand (A>C on the coding strand, the complement: SCN1A is on the minus strand). VCF-style: chr2-166039522-T-G. GRCh37 (hg19) VCF-style: chr2-166896032-T-G.
Other names: c.2406A>C, p.Glu802Asp (NM_001165964.3, NM_001353957.2, NM_001353958.2); c.2490A>C, p.Glu830Asp (NM_001202435.3, NM_001353948.2); c.2457A>C, p.Glu819Asp (NM_001353949.2, NM_001353950.2, NM_001353951.2 and 2 more transcripts); c.2454A>C, p.Glu818Asp (NM_001353954.2, NM_001353955.2); c.2403A>C, p.Glu801Asp (NM_001353960.2); c.48A>C, p.Glu16Asp (NM_001353961.2); short protein forms E16D, E801D, E802D, E818D, E819D, E830D.
Identifiers: ClinVar variation 3371831 (VCV003371831.1).